The following is an entry in ClinVar:

NM_003060.4(SLC22A5):c.55C>G (p.Arg19Gly)

Gene: SLC22A5 (solute carrier family 22 member 5; plus strand). Cytogenetic location: 5q31.1.
Variant type: single nucleotide variant.
Coding change: c.55C>G on transcript NM_003060.4 (MANE Select); coding-DNA position 55, C replaced by G.
Protein change: p.Arg19Gly; replaces arginine 19 with glycine.
Molecular consequence: missense variant.
Genome position (GRCh38, 1-based): chr5:132,370,027, C>G. VCF-style: chr5-132370027-C-G. GRCh37 (hg19) VCF-style: chr5-131705719-C-G.
Other names: c.55C>G, p.Arg19Gly (NM_001308122.2); short protein forms R19G.
Identifiers: ClinVar variation 3233548 (VCV003233548.2), dbSNP rs1319889867, ClinGen allele CA360802288.
Genomic context (GRCh38, chr5:132,370,027, plus strand): 5'-GGCGGCATGCGGGACTACGACGAGGTGACCGCCTTCCTGGGCGAGTGGGGGCCCTTCCAG[C>G]GCCTCATCTTCTTCCTGCTCAGCGCCAGCATCATCCCCAATGGCTTCACCGGCCTGTCCT-3'
Protein context (NP_003051.1, residues 9-29): AFLGEWGPFQ[Arg19Gly]LIFFLLSASI

ClinVar aggregate classification (germline): Uncertain significance (1 of 4 stars; one submission).

Submission:

Women's Health and Genetics/Laboratory Corporation of America, LabCorp
Classification: Uncertain significance. Last evaluated: 2024-03-09. Review status: criteria provided, single submitter. Criteria: LabCorp Variant Classification Summary - May 2015. Collection method: clinical testing. Allele origin: germline.
Comment: Variant summary: SLC22A5 c.55C>G (p.Arg19Gly) results in a non-conservative amino acid change in the encoded protein sequence. Three of five in-silico tools predict a damaging effect of the variant on protein function. The variant was absent in 249224 control chromosomes. The available data on variant occurrences in the general population are insufficient to allow any conclusion about variant significance. To our knowledge, no occurrence of c.55C>G in individuals affected with Systemic Primary Carnitine Deficiency and no experimental evidence demonstrating its impact on protein function have been reported. Additionally, at least two variants at the Arg19 residue have been reported as Likely Pathogenic in ClinVar (p.Arg19Cys,p.Arg19Ser), suggesting that this codon might be functionally important. No submitters have cited clinical-significance assessments for this variant to ClinVar. Based on the evidence outlined above, the variant was classified as uncertain significance.